The following is an entry in ClinVar:

NM_014516.4(CNOT3):c.511C>T (p.Arg171Trp)

Gene: CNOT3 (CCR4-NOT transcription complex subunit 3; plus strand). Cytogenetic location: 19q13.42.
Variant type: single nucleotide variant.
Coding change: c.511C>T on transcript NM_014516.4 (MANE Select); coding-DNA position 511, C replaced by T.
Protein change: p.Arg171Trp; replaces arginine 171 with tryptophan.
Molecular consequence: missense variant.
Genome position (GRCh38, 1-based): chr19:54,145,625, C>T. VCF-style: chr19-54145625-C-T. GRCh37 (hg19) VCF-style: chr19-54649361-C-T.
Other names: short protein forms R171W.
Identifiers: ClinVar variation 3234884 (VCV003234884.1), dbSNP rs2074633860, ClinGen allele CA407760867.

ClinVar aggregate classification (germline): Uncertain significance (1 of 4 stars; one submission).

Conditions:
Intellectual developmental disorder with speech delay, autism, and dysmorphic facies. Identifiers: MedGen C5231456, MONDO:0032864, OMIM 618672.

Allele frequency attached by ClinVar (database versions not stated): gnomAD 0.00001; gnomAD exomes 0.00001.
gnomAD v4.1: 10 of 1,613,476 alleles (0.00062%); highest among the groups gnomAD compares: Non-Finnish European, 0.00076%; no homozygotes.

Submission:

Neuberg Centre For Genomic Medicine, NCGM
Classification: Uncertain significance for Intellectual developmental disorder with speech delay, autism, and dysmorphic facies. Review status: criteria provided, single submitter. Criteria: ACMG Guidelines, 2015. Collection method: clinical testing. Allele origin: germline. Inheritance: Autosomal dominant inheritance. Affected: yes.
Comment: The missense c.511C>T p.Arg171Trp variant in CNOT3 gene has not been reported previously as a pathogenic variant nor as a benign variant, to our knowledge. The p.Arg171Trp variant is novel not in any individuals in both gnomAD Exomes and 1000 Genomes databases. This variant has not been reported to the ClinVar database. The amino acid change p.Arg171Trp in CNOT3 is predicted as conserved by GERP++ and PhyloP across 100 vertebrates. The amino acid Arg at position 171 is changed to a Trp changing protein sequence and it might alter its composition and physico-chemical properties. For these reasons, this variant has been classified as a Variant of Uncertain Significance VUS.